The following is an entry in ClinVar:

ClinVar aggregate classification (germline): Likely pathogenic (1 of 4 stars; one submission).

Submission:

Dasa
Classification: Likely pathogenic. Last evaluated: 2025-01-14. Review status: criteria provided, single submitter. Criteria: DASA Assertion Criteria. Collection method: clinical testing. Allele origin: germline.
Comment: NM_002161.6(IARS):c.1700+1G>T affects a canonical splice site and is predicted to disrupt normal RNA splicing. Loss of function is an established disease mechanism for IARS-associated disorders. Also, this variant is absent from population databases. Based on the currently available evidence, this variant is classified as likely pathogenic.

NM_002161.6(IARS1):c.1700+1G>T

Gene: IARS1 (isoleucyl-tRNA synthetase 1; minus strand). Cytogenetic location: 9q22.31.
Variant type: single nucleotide variant.
Coding change: c.1700+1G>T on transcript NM_002161.6 (MANE Select); the canonical splice donor site of the intron after coding-DNA position 1700, G replaced by T.
Molecular consequence: splice donor variant.
Genome position (GRCh38, 1-based): chr9:92,264,928, C>A on the plus strand (G>T on the coding strand, the complement: IARS1 is on the minus strand). VCF-style: chr9-92264928-C-A. GRCh37 (hg19) VCF-style: chr9-95027210-C-A.
Other names: c.1700+1G>T (NM_001378574.1, NM_001378580.1, NM_001378576.1 and 14 more transcripts); c.1763+1G>T (NM_001378569.1); c.1577+1G>T (NM_001378583.1); c.1721+1G>T (NM_001378571.1).
Identifiers: ClinVar variation 4885097 (VCV004885097.2).